The following is an entry in ClinVar:

ClinVar aggregate classification (germline): Likely benign. Review status: criteria provided, multiple submitters, no conflicts (2 of 4 stars). 3 submissions from 3 submitters: Likely benign (3). Last evaluated 2026-01-05.

Allele frequency attached by ClinVar (database versions not stated): gnomAD 0.00002; gnomAD exomes 0.00003; TOPMed 0.00005; ExAC 0.00006.
gnomAD v4.1: 48 of 1,607,000 alleles (0.003%); highest among the groups gnomAD compares: Non-Finnish European, 0.0037%; no homozygotes.

Submissions (3):

Women's Health and Genetics/Laboratory Corporation of America, LabCorp
Classification: Likely benign. Last evaluated: 2026-01-05. Review status: criteria provided, single submitter. Criteria: LabCorp Variant Classification Summary - May 2015. Collection method: clinical testing. Allele origin: germline.

Labcorp Genetics (formerly Invitae), Labcorp
Classification: Likely benign. Last evaluated: 2025-11-08. Review status: criteria provided, single submitter. Criteria: Invitae Variant Classification Sherloc (09022015). Collection method: clinical testing. Allele origin: germline.

CeGaT Center for Human Genetics Tuebingen
Classification: Likely benign. Last evaluated: 2025-06-01. Review status: criteria provided, single submitter. Criteria: CeGaT Center For Human Genetics Tuebingen Variant Classification Criteria Version 2. Collection method: clinical testing. Allele origin: germline. Affected: yes. Observed: 2 variant alleles.
Comment: AEBP1: BP4, BP7

NM_001129.5(AEBP1):c.1125G>A (p.Glu375=)

Gene: AEBP1 (AE binding protein 1; plus strand). Cytogenetic location: 7p13.
Variant type: single nucleotide variant.
Coding change: c.1125G>A on transcript NM_001129.5 (MANE Select); coding-DNA position 1125, G replaced by A.
Protein change: p.Glu375=; no amino-acid change (glutamic acid 375 retained).
Molecular consequence: synonymous variant.
Genome position (GRCh38, 1-based): chr7:44,109,316, G>A. VCF-style: chr7-44109316-G-A. GRCh37 (hg19) VCF-style: chr7-44148915-G-A.
Identifiers: ClinVar variation 2583047 (VCV002583047.27), dbSNP rs750519777, ClinGen allele CA4237759.